The following is an entry in ClinVar:

ClinVar aggregate classification (germline): Conflicting classifications of pathogenicity. Review status: criteria provided, conflicting classifications (1 of 4 stars). 3 submissions from 3 submitters: Uncertain significance (1); Likely benign (2). Last evaluated 2025-04-18.

Conditions:
Cardiovascular phenotype. Identifiers: MedGen CN230736.

Allele frequency attached by ClinVar (database versions not stated): ExAC 0.00001; gnomAD exomes 0.00004 and 0.00001; gnomAD 0.00001; TOPMed 0.00001.
gnomAD v4.1: 56 of 1,612,320 alleles (0.0035%); highest among the groups gnomAD compares: Non-Finnish European, 0.0047%; no homozygotes.

Submissions (3):

Mayo Clinic Laboratories, Mayo Clinic
Classification: Likely benign. Last evaluated: 2025-04-18. Review status: criteria provided, single submitter. Criteria: ACMG Guidelines, 2015. Collection method: clinical testing. Allele origin: germline. Observed: 1 variant allele.
Comment: BP4, BP7

Ambry Genetics
Classification: Uncertain significance for Cardiovascular phenotype. Last evaluated: 2024-12-05. Review status: criteria provided, single submitter. Criteria: Ambry Variant Classification Scheme 2023. Collection method: clinical testing. Allele origin: germline.
Comment: The c.-3A>C variant is located in the 5' untranslated region (5&rsquo; UTR) of the CSRP3 gene. This variant results from an A to C substitution 3 nucleotides upstream from the first translated codon. This nucleotide position is well conserved in available vertebrate species. Since supporting evidence is limited at this time, the clinical significance of this alteration remains unclear.

GeneDx
Classification: Likely benign. Last evaluated: 2015-11-09. Review status: criteria provided, single submitter. Criteria: GeneDx Variant Classification (06012015). Collection method: clinical testing. Allele origin: germline. Affected: yes.
Comment: This variant is considered likely benign or benign based on one or more of the following criteria: it is a conservative change, it occurs at a poorly conserved position in the protein, it is predicted to be benign by multiple in silico algorithms, and/or has population frequency not consistent with disease.

NM_003476.5(CSRP3):c.-3A>C

Gene: CSRP3 (cysteine and glycine rich protein 3; minus strand). Cytogenetic location: 11p15.1.
Variant type: single nucleotide variant.
Coding change: c.-3A>C on transcript NM_003476.5 (MANE Select); 3 bases upstream of the start codon, A replaced by C.
Molecular consequence: 5 prime UTR variant.
Genome position (GRCh38, 1-based): chr11:19,192,451, T>G on the plus strand (A>C on the coding strand, the complement: CSRP3 is on the minus strand). VCF-style: chr11-19192451-T-G. GRCh37 (hg19) VCF-style: chr11-19213998-T-G.
Other names: c.-3A>C (NM_001369404.1, LRG_440t1).
Identifiers: ClinVar variation 381303 (VCV000381303.5), dbSNP rs760384315, ClinGen allele CA5916692.